The following is an entry in ClinVar:

NM_018699.4(PRDM5):c.849G>A (p.Gln283=)

Gene: PRDM5 (PR/SET domain 5; minus strand). Cytogenetic location: 4q27.
Variant type: single nucleotide variant.
Coding change: c.849G>A on transcript NM_018699.4 (MANE Select); coding-DNA position 849, G replaced by A.
Protein change: p.Gln283=; no amino-acid change (glutamine 283 retained).
Molecular consequence: synonymous variant.
Genome position (GRCh38, 1-based): chr4:120,816,469, C>T on the plus strand (G>A on the coding strand, the complement: PRDM5 is on the minus strand). VCF-style: chr4-120816469-C-T. GRCh37 (hg19) VCF-style: chr4-121737624-C-T.
Other names: p.Gln283=; c.756G>A, p.Gln252= (NM_001300823.2, NM_001300824.2, NM_001379106.1); c.849G>A, p.Gln283= (NM_001379104.1).
Identifiers: ClinVar variation 347442 (VCV000347442.20), dbSNP rs17051264, ClinGen allele CA3061272.
Genomic context (GRCh38, chr4:120,816,469, plus strand): 5'-GGAAAGGAAGCCCCTTCGGAAACGACCCTCCAACGACTCCTCACCAGTGTGGACATTTTC[C>T]TGGTGTCTTTTCAGGGCATCCTTGCTCTTCAGCCTCTTTCCACAGCTGTCAGCCTTGCAC-3'
Protein context (NP_061169.2, residues 273-293): LKSKDALKRH[Gln283=]ENVHTGDPKK

ClinVar aggregate classification (germline): Benign/Likely benign. Review status: criteria provided, multiple submitters, no conflicts (2 of 4 stars). 7 submissions from 7 submitters: Benign (6); Likely benign (1). Last evaluated 2026-02-02.

Conditions:
Ehlers-Danlos syndrome (EDS). Identifiers: Orphanet 98249, MedGen C0013720, MONDO:0020066.
Cardiovascular phenotype. Identifiers: MedGen CN230736.

Allele frequency attached by ClinVar (database versions not stated): gnomAD exomes 0.01216; ExAC 0.01414; gnomAD 0.03378 and 0.03566; ESP Exome Variant Server 0.03660; TOPMed 0.03817; 1000 Genomes Project 0.04473; 1000 Genomes Project 30x 0.04497.
gnomAD v4.1: 12,188 of 1,614,150 alleles (0.76%); highest among the groups gnomAD compares: African/African-American, 11%; 541 homozygotes.

Submissions (7):

Labcorp Genetics (formerly Invitae), Labcorp
Classification: Benign. Last evaluated: 2026-02-02. Review status: criteria provided, single submitter. Criteria: Invitae Variant Classification Sherloc (09022015). Collection method: clinical testing. Allele origin: germline.

Women's Health and Genetics/Laboratory Corporation of America, LabCorp
Classification: Benign. Last evaluated: 2026-01-22. Review status: criteria provided, single submitter. Criteria: LabCorp Variant Classification Summary - May 2015. Collection method: clinical testing. Allele origin: germline.

Mayo Clinic Laboratories, Mayo Clinic
Classification: Benign. Last evaluated: 2023-04-16. Review status: criteria provided, single submitter. Criteria: ACMG Guidelines, 2015. Collection method: clinical testing. Allele origin: germline. Observed: 37 variant alleles.

Genome Diagnostics Laboratory, The Hospital for Sick Children
Classification: Benign for Ehlers-Danlos syndrome. Last evaluated: 2022-06-14. Review status: criteria provided, single submitter. Criteria: ACMG Guidelines, 2015. Collection method: clinical testing. Allele origin: germline.

Ambry Genetics
Classification: Benign for Cardiovascular phenotype. Last evaluated: 2019-03-07. Review status: criteria provided, single submitter. Criteria: Ambry Variant Classification Scheme 2023. Collection method: clinical testing. Allele origin: germline.

GeneDx
Classification: Benign. Last evaluated: 2016-10-25. Review status: criteria provided, single submitter. Criteria: GeneDx Variant Classification (06012015). Collection method: clinical testing. Allele origin: germline. Affected: yes.
Comment: This variant is considered likely benign or benign based on one or more of the following criteria: it is a conservative change, it occurs at a poorly conserved position in the protein, it is predicted to be benign by multiple in silico algorithms, and/or has population frequency not consistent with disease.

Breakthrough Genomics
Classification: Likely benign. Review status: criteria provided, single submitter. Criteria: ACMG Guidelines, 2015. Collection method: not provided. Allele origin: germline. Inheritance: Autosomal recessive inheritance. Affected: yes.